The following is an entry in ClinVar:

NM_144670.6(A2ML1):c.282C>T (p.Ala94=)

Genes: A2ML1 (alpha-2-macroglobulin like 1; plus strand), A2ML1-AS1 (A2ML1 antisense RNA 1; minus strand). Cytogenetic location: 12p13.31.
Variant type: single nucleotide variant.
Coding change: c.282C>T on transcript NM_144670.6 (MANE Select); coding-DNA position 282, C replaced by T.
Protein change: p.Ala94=; no amino-acid change (alanine 94 retained).
Molecular consequence: synonymous variant.
Genome position (GRCh38, 1-based): chr12:8,823,755, C>T. VCF-style: chr12-8823755-C-T. GRCh37 (hg19) VCF-style: chr12-8976351-C-T.
Other names: c.282C>T (NM_144670.5).
Identifiers: ClinVar variation 1131730 (VCV001131730.13), dbSNP rs185046854, ClinGen allele CA6435227.

ClinVar aggregate classification (germline): Likely benign. Review status: criteria provided, multiple submitters, no conflicts (2 of 4 stars). 3 submissions from 3 submitters: Likely benign (2). 1 of the submissions does not count toward it. Last evaluated 2020-11-01.

Conditions:
A2ML1-related disorder. Also called: A2ML1-related condition.

Allele frequency attached by ClinVar (database versions not stated): gnomAD exomes 0.00001; ExAC 0.00007; 1000 Genomes Project 30x 0.00016.
gnomAD v4.1: 11 of 1,614,014 alleles (0.00068%); highest among the groups gnomAD compares: East Asian, 0.025%; no homozygotes.

Submissions (3):

Ambry Genetics
Classification: Likely benign. Last evaluated: 2020-11-01. Review status: criteria provided, single submitter. Criteria: Ambry Variant Classification Scheme 2023. Collection method: clinical testing. Allele origin: germline.

Labcorp Genetics (formerly Invitae), Labcorp
Classification: Likely benign. Last evaluated: 2020-10-11. Review status: criteria provided, single submitter. Criteria: Invitae Variant Classification Sherloc (09022015). Collection method: clinical testing. Allele origin: germline.

PreventionGenetics, part of Exact Sciences
Classification: Likely benign for A2ML1-related condition. Last evaluated: 2023-11-27. Review status: no assertion criteria provided. Collection method: clinical testing. Allele origin: germline. Not counted in ClinVar's aggregate classification.
Comment: This variant is classified as likely benign based on ACMG/AMP sequence variant interpretation guidelines (Richards et al. 2015 PMID: 25741868, with internal and published modifications).